The following is an entry in ClinVar:

NM_000169.3(GLA):c.1255A>G (p.Asn419Asp)

Genes: GLA (galactosidase alpha; minus strand), RPL36A-HNRNPH2 (RPL36A-HNRNPH2 readthrough; plus strand). Cytogenetic location: Xq22.1.
Variant type: single nucleotide variant.
Coding change: c.1255A>G on transcript NM_000169.3 (MANE Select); coding-DNA position 1255, A replaced by G.
Protein change: p.Asn419Asp; replaces asparagine 419 with aspartic acid.
Molecular consequence: missense variant. On other transcripts: non-coding transcript variant (3), intron variant (2).
Genome position (GRCh38, 1-based): chrX:101,397,844, T>C on the plus strand (A>G on the coding strand, the complement: GLA is on the minus strand). VCF-style: chrX-101397844-T-C. GRCh37 (hg19) VCF-style: chrX-100652832-T-C.
Other names: c.1378A>G, p.Asn460Asp (NM_001406747.1); c.300+2387T>C (NM_001199973.2); c.177+6022T>C (NM_001199974.2); short protein forms N419D, N460D.
Identifiers: ClinVar variation 246044 (VCV000246044.18), dbSNP rs879254061, ClinGen allele CA10584624.

ClinVar aggregate classification (germline): Uncertain significance. Review status: criteria provided, multiple submitters, no conflicts (2 of 4 stars). 8 submissions from 8 submitters: Uncertain significance (7). 1 of the submissions does not count toward it. Last evaluated 2026-09-08.

Conditions:
Cardiovascular phenotype. Identifiers: MedGen CN230736.
Cardiomyopathy (CMYO). Also called: Cardiomyopathies. Identifiers: Orphanet 167848, MedGen C0878544, MONDO:0004994, HP:0001638. Inheritance: Various modes of inheritance.
Fabry disease. Also called: Fabry's disease; ALPHA-GALACTOSIDASE A DEFICIENCY; GLA DEFICIENCY; HEREDITARY DYSTOPIC LIPIDOSIS; Angiokeratoma corporis diffusum; Ceramide trihexosidosis. Identifiers: Orphanet 324, MedGen C0002986, MONDO:0010526, OMIM 301500, HP:0001071. Disease mechanism: loss of function, Fabry disease is due to inactivating mutations in the X-linked GLA gene resulting in deficiency of the enzyme Alpha Galactosidase-A..

Allele frequency attached by ClinVar (database versions not stated): gnomAD exomes below 0.00001; TOPMed 0.00001.

Submissions (8):

Genomenon, Inc
Classification: Uncertain significance for Fabry disease. Last evaluated: 2026-09-08. Review status: criteria provided, single submitter. Criteria: Genomenon Sequence Variant Interpretation Standards - Updated. Collection method: curation. Allele origin: germline. Affected: no.
Comment: GLA p.Asn419Asp (c.1255A>G) is a missense variant that changes the amino acid at codon 419 from Asparagine to Aspartic acid. This variant has been reported in the published literature (PMID:32802993;36156392;37332487;32843101). It is absent or not present at a significant frequency in gnomAD. In silico models predict that this variant is not damaging. In conclusion, we classify GLA p.Asn419Asp (c.1255A>G) as a variant of uncertain significance.

Ambry Genetics
Classification: Uncertain significance for Cardiovascular phenotype. Last evaluated: 2026-02-09. Review status: criteria provided, single submitter. Criteria: Ambry Variant Classification Scheme 2023. Collection method: clinical testing. Allele origin: germline.
Comment: The p.N419D variant (also known as c.1255A>G), located in coding exon 7 of the GLA gene, results from an A to G substitution at nucleotide position 1255. The asparagine at codon 419 is replaced by aspartic acid, an amino acid with highly similar properties. This variant was reported hemizygous in individual(s) with features consistent with Fabry disease; however, both individuals harbored a second GLA missense variant (Yoshida S et al. Orphanet J Rare Dis, 2020 Aug;15:22; Hirose M et al. Mol Genet Metab Rep, 2023 Sep;36:100982). This amino acid position is not well conserved in available vertebrate species. In addition, this alteration is predicted to be tolerated by in silico analysis. Based on the available evidence, the clinical significance of this variant remains unclear.

Labcorp Genetics (formerly Invitae), Labcorp
Classification: Uncertain significance for Fabry disease. Last evaluated: 2025-09-16. Review status: criteria provided, single submitter. Criteria: Invitae Variant Classification Sherloc (09022015). Collection method: clinical testing. Allele origin: germline.
Comment: This sequence change replaces asparagine, which is neutral and polar, with aspartic acid, which is acidic and polar, at codon 419 of the GLA protein (p.Asn419Asp). This variant is not present in population databases (gnomAD no frequency). This missense change has been observed in individual(s) with Fabry disease (PMID: 32843101). ClinVar contains an entry for this variant (Variation ID: 246044). Invitae Evidence Modeling of protein sequence and biophysical properties (such as structural, functional, and spatial information, amino acid conservation, physicochemical variation, residue mobility, and thermodynamic stability) indicates that this missense variant is not expected to disrupt GLA protein function with a negative predictive value of 95%. In summary, the available evidence is currently insufficient to determine the role of this variant in disease. Therefore, it has been classified as a Variant of Uncertain Significance.

Color Diagnostics, LLC DBA Color Health
Classification: Uncertain significance for Fabry disease. Last evaluated: 2025-08-25. Review status: criteria provided, single submitter. Criteria: ACMG Guidelines, 2015. Collection method: clinical testing. Allele origin: germline.
Comment: This missense variant replaces asparagine with aspartic acid at codon 419 of the GLA protein. Computational prediction suggests that this variant may not impact protein structure and function. To our knowledge, functional studies have not been reported for this variant. This variant has been reported in an individual affected with Fabry disease (PMID: 32843101). This variant has not been identified in the general population by the Genome Aggregation Database (gnomAD). The available evidence is insufficient to determine the role of this variant in disease conclusively. Therefore, this variant is classified as a Variant of Uncertain Significance.

CHEO Genetics Diagnostic Laboratory, Children's Hospital of Eastern Ontario
Classification: Uncertain significance for Cardiomyopathy. Last evaluated: 2021-09-27. Review status: criteria provided, single submitter. Criteria: ACMG Guidelines, 2015. Collection method: clinical testing. Allele origin: germline.

Revvity Omics, Revvity
Classification: Uncertain significance. Last evaluated: 2021-09-21. Review status: criteria provided, single submitter. Criteria: ACMG Guidelines, 2015. Collection method: clinical testing. Allele origin: germline.

GeneDx
Classification: Uncertain significance. Last evaluated: 2018-06-07. Review status: criteria provided, single submitter. Criteria: GeneDx Variant Classification (06012015). Collection method: clinical testing. Allele origin: germline. Affected: yes.
Comment: A variant of uncertain significance has been identified in the GLA gene. The N419D variant has not been published as pathogenic or been reported as benign to our knowledge. This variant is not observed in large population cohorts (Lek et al., 2016). The N419D variant is a semi-conservative amino acid substitution, which may impact secondary protein structure as these residues differ in some properties. However, in-silico analyses, including protein predictors and evolutionary conservation, support that this variant does not alter protein structure/function. Therefore, based on the currently available information, it is unclear whether this variant is pathogenic or rare benign.

Natera, Inc.
Classification: Uncertain significance for Fabry disease. Last evaluated: 2021-03-18. Review status: no assertion criteria provided. Collection method: clinical testing. Allele origin: germline. Not counted in ClinVar's aggregate classification.

Literature cited by the submitters: PubMed 32802993 (cited by Genomenon, Inc); PubMed 36156392 (cited by Genomenon, Inc); PubMed 37332487 (cited by Genomenon, Inc and Ambry Genetics); PubMed 32843101 (cited by 4 submitters).